The following is an entry in ClinVar:

ClinVar aggregate classification (germline): Likely benign. Review status: criteria provided, multiple submitters, no conflicts (2 of 4 stars). 4 submissions from 4 submitters: Likely benign (4). Last evaluated 2025-08-04.

Conditions:
Hereditary cancer-predisposing syndrome. Also called: Hereditary neoplastic syndrome; Hereditary Cancer Syndrome; Neoplastic Syndromes, Hereditary; Tumor predisposition. Identifiers: Orphanet 140162, MedGen C0027672, MeSH D009386, MONDO:0015356.
Multiple endocrine neoplasia, type 1 (MEN1). Also called: Endocrine adenomatosis multiple; MEN 1; MEA I; MEN I; WERMER SYNDROME. Identifiers: Orphanet 652, MedGen C0025267, MeSH D018761, MONDO:0007540, OMIM 131100.

Allele frequency attached by ClinVar (database versions not stated): gnomAD exomes below 0.00001.
gnomAD v4.1: 3 of 1,612,848 alleles (0.00019%); highest among the groups gnomAD compares: Non-Finnish European, 0.00025%; no homozygotes.

Submissions (4):

Color Diagnostics, LLC DBA Color Health
Classification: Likely benign for Multiple endocrine neoplasia, type 1. Last evaluated: 2025-08-04. Review status: criteria provided, single submitter. Criteria: ACMG Guidelines, 2015. Collection method: clinical testing. Allele origin: germline.

Labcorp Genetics (formerly Invitae), Labcorp
Classification: Likely benign for Multiple endocrine neoplasia, type 1. Last evaluated: 2025-04-14. Review status: criteria provided, single submitter. Criteria: Invitae Variant Classification Sherloc (09022015). Collection method: clinical testing. Allele origin: germline.

Myriad Genetics, Inc.
Classification: Likely benign for Multiple endocrine neoplasia, type 1. Last evaluated: 2024-11-01. Review status: criteria provided, single submitter. Criteria: Myriad Autosomal Dominant, Autosomal Recessive and X-Linked Classification Criteria (2023). Collection method: clinical testing. Allele origin: unknown.
Comment: This variant is considered likely benign. This variant is intronic and is not expected to impact mRNA splicing.

Ambry Genetics
Classification: Likely benign for Hereditary cancer-predisposing syndrome. Last evaluated: 2024-02-02. Review status: criteria provided, single submitter. Criteria: Ambry Variant Classification Scheme 2023. Collection method: clinical testing. Allele origin: germline.

NM_001370259.2(MEN1):c.784-4C>T

Gene: MEN1 (menin 1; minus strand). Cytogenetic location: 11q13.1.
Variant type: single nucleotide variant.
Coding change: c.784-4C>T on transcript NM_001370259.2 (MANE Select); 4 bases into the intron before coding-DNA position 784, C replaced by T.
Molecular consequence: intron variant.
Genome position (GRCh38, 1-based): chr11:64,807,223, G>A on the plus strand (C>T on the coding strand, the complement: MEN1 is on the minus strand). VCF-style: chr11-64807223-G-A. GRCh37 (hg19) VCF-style: chr11-64574695-G-A.
Other names: c.799-4C>T (NM_130803.3, NM_000244.4, NM_001407145.1 and 5 more transcripts); c.679-4C>T (NM_001407148.1, NM_001407149.1, NM_001407151.1 and 2 more transcripts); c.784-4C>T (NM_130799.3, NM_001407144.1, NM_001370260.2 and 8 more transcripts).
Identifiers: ClinVar variation 2741983 (VCV002741983.6), dbSNP rs1941794825, ClinGen allele CA1978891162.